The following is an entry in ClinVar:

ClinVar aggregate classification (germline): Uncertain significance. Review status: criteria provided, multiple submitters, no conflicts (2 of 4 stars). 2 submissions from 2 submitters: Uncertain significance (2). Last evaluated 2025-10-01.

Conditions:
Myofibrillar myopathy 5. Also called: Filaminopathy (type); FILAMINOPATHY, AUTOSOMAL DOMINANT. Identifiers: Orphanet 171445, MedGen C1836050, MONDO:0012289, OMIM 609524.
Distal myopathy with posterior leg and anterior hand involvement. Also called: WILLIAMS DISTAL MYOPATHY. Identifiers: Orphanet 63273, MedGen C3279722, MONDO:0013550, OMIM 614065.
Hypertrophic cardiomyopathy 26. Also called: Cardiomyopathy, familial hypertrophic, 26. Identifiers: Orphanet 75249, MedGen C4310749, MONDO:0014883, OMIM 617047.
Cardiovascular phenotype. Identifiers: MedGen CN230736.

Allele frequency attached by ClinVar (database versions not stated): gnomAD exomes below 0.00001.
gnomAD v4.1: 5 of 1,613,870 alleles (0.00031%); highest among the groups gnomAD compares: South Asian, 0.0011%; no homozygotes.

Submissions (2):

Ambry Genetics
Classification: Uncertain significance for Cardiovascular phenotype. Last evaluated: 2025-10-01. Review status: criteria provided, single submitter. Criteria: Ambry Variant Classification Scheme 2023. Collection method: clinical testing. Allele origin: germline.
Comment: The p.R164Q variant (also known as c.491G>A), located in coding exon 2 of the FLNC gene, results from a G to A substitution at nucleotide position 491. The arginine at codon 164 is replaced by glutamine, an amino acid with highly similar properties. This amino acid position is conserved. In addition, this alteration is predicted to be deleterious by in silico analysis. Based on the available evidence, the clinical significance of this variant remains unclear.

Labcorp Genetics (formerly Invitae), Labcorp
Classification: Uncertain significance for Distal myopathy with posterior leg and anterior hand involvement; Myofibrillar myopathy 5; Hypertrophic cardiomyopathy 26. Last evaluated: 2022-10-25. Review status: criteria provided, single submitter. Criteria: Invitae Variant Classification Sherloc (09022015). Collection method: clinical testing. Allele origin: germline.
Comment: This variant is not present in population databases (gnomAD no frequency). In summary, the available evidence is currently insufficient to determine the role of this variant in disease. Therefore, it has been classified as a Variant of Uncertain Significance. Advanced modeling of protein sequence and biophysical properties (such as structural, functional, and spatial information, amino acid conservation, physicochemical variation, residue mobility, and thermodynamic stability) has been performed at Invitae for this missense variant, however the output from this modeling did not meet the statistical confidence thresholds required to predict the impact of this variant on FLNC protein function. This variant has not been reported in the literature in individuals affected with FLNC-related conditions. This sequence change replaces arginine, which is basic and polar, with glutamine, which is neutral and polar, at codon 164 of the FLNC protein (p.Arg164Gln).

NM_001458.5(FLNC):c.491G>A (p.Arg164Gln)

Gene: FLNC (filamin C; plus strand). Cytogenetic location: 7q32.1.
Variant type: single nucleotide variant.
Coding change: c.491G>A on transcript NM_001458.5 (MANE Select); coding-DNA position 491, G replaced by A.
Protein change: p.Arg164Gln; replaces arginine 164 with glutamine.
Molecular consequence: missense variant.
Genome position (GRCh38, 1-based): chr7:128,835,464, G>A. VCF-style: chr7-128835464-G-A. GRCh37 (hg19) VCF-style: chr7-128475518-G-A.
Other names: c.491G>A, p.Arg164Gln (NM_001127487.2); short protein forms R164Q.
Identifiers: ClinVar variation 1961311 (VCV001961311.6), dbSNP rs2536614697, ClinGen allele CA369219391.